The following is an entry in ClinVar:

NM_005548.3(KARS1):c.238C>T (p.Arg80Cys)

Gene: KARS1 (lysyl-tRNA synthetase 1; minus strand). Cytogenetic location: 16q23.1.
Variant type: single nucleotide variant.
Coding change: c.238C>T on transcript NM_005548.3 (MANE Select); coding-DNA position 238, C replaced by T.
Protein change: p.Arg80Cys; replaces arginine 80 with cysteine.
Molecular consequence: missense variant. On other transcripts: 5 prime UTR variant (1).
Genome position (GRCh38, 1-based): chr16:75,640,334, G>A on the plus strand (C>T on the coding strand, the complement: KARS1 is on the minus strand). VCF-style: chr16-75640334-G-A. GRCh37 (hg19) VCF-style: chr16-75674232-G-A.
Other names: c.322C>T, p.Arg108Cys (NM_001130089.2); c.-231C>T (NM_001378148.1); short protein forms R108C, R80C.
Identifiers: ClinVar variation 2662803 (VCV002662803.1), dbSNP rs1301615993, ClinGen allele CA396815933.

ClinVar aggregate classification (germline): Likely pathogenic (1 of 4 stars; one submission).

Allele frequency attached by ClinVar (database versions not stated): gnomAD exomes 0.00001.
gnomAD v4.1: 16 of 1,612,136 alleles (0.00099%); highest among the groups gnomAD compares: Non-Finnish European, 0.0011%; no homozygotes.

Submission:

GeneDx
Classification: Likely pathogenic. Last evaluated: 2023-04-13. Review status: criteria provided, single submitter. Criteria: GeneDx Variant Classification Process June 2021. Collection method: clinical testing. Allele origin: germline. Affected: yes.
Comment: Previously reported in trans with a second KARS variant in an individual with IUGR, microcephaly, hypotonia, developmental delay, hearing loss, white matter lesions, and heart defect (Cappuccio et al., 2021); Published functional studies demonstrate that R108C severely reduces the oxidative consumption rate (Cappuccio et al., 2021); Not observed at significant frequency in large population cohorts (gnomAD); In silico analysis supports that this missense variant has a deleterious effect on protein structure/function; This variant is associated with the following publications: (PMID: 33942428)